The following is an entry in ClinVar:

ClinVar aggregate classification (germline): Likely benign (0 of 4 stars; one submission).

Conditions:
PLXNA1-related disorder. Also called: PLXNA1-related condition.

Allele frequency attached by ClinVar (database versions not stated): ExAC 0.00002; gnomAD 0.00002; TOPMed 0.00003; ESP Exome Variant Server 0.00008.

Submission:

PreventionGenetics, part of Exact Sciences
Classification: Likely benign for PLXNA1-related condition. Last evaluated: 2021-12-13. Review status: no assertion criteria provided. Collection method: clinical testing. Allele origin: germline.
Comment: This variant is classified as likely benign based on ACMG/AMP sequence variant interpretation guidelines (Richards et al. 2015 PMID: 25741868, with internal and published modifications).

NM_032242.4(PLXNA1):c.5112G>A (p.Thr1704=)

Gene: PLXNA1 (plexin A1; plus strand). Cytogenetic location: 3q21.3.
Variant type: single nucleotide variant.
Coding change: c.5112G>A on transcript NM_032242.4 (MANE Select); coding-DNA position 5112, G replaced by A.
Protein change: p.Thr1704=; no amino-acid change (threonine 1704 retained).
Molecular consequence: synonymous variant.
Genome position (GRCh38, 1-based): chr3:127,030,293, G>A. VCF-style: chr3-127030293-G-A. GRCh37 (hg19) VCF-style: chr3-126749136-G-A.
Identifiers: ClinVar variation 3061536 (VCV003061536.2), dbSNP rs139719148, ClinGen allele CA2594622.